The following is an entry in ClinVar:

NM_182476.3(COQ6):c.277G>T (p.Gly93Cys)

Gene: COQ6 (coenzyme Q6, monooxygenase; plus strand). Cytogenetic location: 14q24.3.
Variant type: single nucleotide variant.
Coding change: c.277G>T on transcript NM_182476.3 (MANE Select); coding-DNA position 277, G replaced by T.
Protein change: p.Gly93Cys; replaces glycine 93 with cysteine.
Molecular consequence: missense variant.
Genome position (GRCh38, 1-based): chr14:73,953,548, G>T. VCF-style: chr14-73953548-G-T. GRCh37 (hg19) VCF-style: chr14-74420251-G-T.
Other names: c.202G>T, p.Gly68Cys (NM_182480.3); short protein forms G68C, G93C.
Identifiers: ClinVar variation 1921692 (VCV001921692.4), dbSNP rs924384898, ClinGen allele CA263572215.

ClinVar aggregate classification (germline): Uncertain significance (1 of 4 stars; one submission).

Submission:

Labcorp Genetics (formerly Invitae), Labcorp
Classification: Uncertain significance. Last evaluated: 2025-02-03. Review status: criteria provided, single submitter. Criteria: Invitae Variant Classification Sherloc (09022015). Collection method: clinical testing. Allele origin: germline.
Comment: This sequence change replaces glycine, which is neutral and non-polar, with cysteine, which is neutral and slightly polar, at codon 93 of the COQ6 protein (p.Gly93Cys). This variant is not present in population databases (gnomAD no frequency). This variant has not been reported in the literature in individuals affected with COQ6-related conditions. ClinVar contains an entry for this variant (Variation ID: 1921692). Invitae Evidence Modeling of protein sequence and biophysical properties (such as structural, functional, and spatial information, amino acid conservation, physicochemical variation, residue mobility, and thermodynamic stability) has been performed for this missense variant. However, the output from this modeling did not meet the statistical confidence thresholds required to predict the impact of this variant on COQ6 protein function. In summary, the available evidence is currently insufficient to determine the role of this variant in disease. Therefore, it has been classified as a Variant of Uncertain Significance.